The following is an entry in ClinVar:

ClinVar aggregate classification (germline): Pathogenic/Likely pathogenic. Review status: criteria provided, multiple submitters, no conflicts (2 of 4 stars). 7 submissions from 7 submitters: Pathogenic (3); Likely pathogenic (4). Last evaluated 2025-12-20.

Conditions:
Hereditary cancer-predisposing syndrome. Also called: Neoplastic Syndromes, Hereditary; Tumor predisposition; Hereditary Cancer Syndrome; Hereditary neoplastic syndrome. Identifiers: Orphanet 140162, MedGen C0027672, MeSH D009386, MONDO:0015356.
Ataxia-telangiectasia syndrome (AT). Also called: Ataxia telangiectasia (A-T); Ataxia-telangiectasia, complementation group D; AT, COMPLEMENTATION GROUP C; ATAXIA-TELANGIECTASIA, COMPLEMENTATION GROUP A; Ataxia-telangiectasia, complementation group E; ATAXIA-TELANGIECTASIA, FRESNO VARIANT. Identifiers: Orphanet 100, MedGen C0004135, MONDO:0008840, OMIM 208900.
Familial cancer of breast. Also called: Hereditary breast cancer; BREAST CANCER, FAMILIAL; hereditary breast carcinoma. Identifiers: Orphanet 227535, MedGen C0346153, MONDO:0016419, OMIM 114480. Disease mechanism: loss of function.

Submissions (7):

Labcorp Genetics (formerly Invitae), Labcorp
Classification: Pathogenic for Ataxia-telangiectasia syndrome. Last evaluated: 2025-12-20. Review status: criteria provided, single submitter. Criteria: Invitae Variant Classification Sherloc (09022015). Collection method: clinical testing. Allele origin: germline.
Comment: This sequence change affects a splice site in intron 36 of the ATM gene. RNA analysis indicates that disruption of this splice site induces altered splicing and may result in an absent or altered protein product. This variant is not present in population databases (gnomAD no frequency). Disruption of this splice site has been observed in individual(s) with ataxia telangiectasia (PMID: 21665257, 35586824). In at least one individual the data is consistent with being in trans (on the opposite chromosome) from a pathogenic variant. It has also been observed to segregate with disease in related individuals. This variant is also known as c.5495_5496+2delAAGT. ClinVar contains an entry for this variant (Variation ID: 565770). Studies have shown that disruption of this splice site results in activation of a cryptic splice site and retention of intron 36 , and produces a non-functional protein and/or introduces a premature termination codon (internal data). For these reasons, this variant has been classified as Pathogenic.

Color Diagnostics, LLC DBA Color Health
Classification: Pathogenic for Hereditary cancer-predisposing syndrome. Last evaluated: 2025-10-21. Review status: criteria provided, single submitter. Criteria: ACMG Guidelines, 2015. Collection method: clinical testing. Allele origin: germline.
Comment: This variant, also known as IVS38+2del4 or c.5495_5496+2delAAGT in the literature, causes the deletion of 4 nucleotides at the +2 position of intron 36 in the ATM gene (based on the NM_000051.3 transcript). Splice site prediction tools predict that this variant may have a significant impact on RNA splicing. Although this prediction has not been confirmed in published RNA studies, this variant is expected to result in an absent or disrupted protein product. This variant has been observed in homozygosity in an individual affected with autosomal recessive Ataxia-Telangiectasia (PMID: 21665257). This variant has also been observed with a second pathogenic variant in trans in two brothers affected with autosomal recessive Ataxia-Telangiectasia (PMID: 35586824), indicating that this variant contributes to disease. This variant has been identified in 1/1457790 chromosomes in the general population by the Genome Aggregation Database (gnomAD). Loss of ATM function is a known mechanism of disease. Based on the available evidence, this variant is classified as Pathogenic.

Institute for Biomarker Research, Medical Diagnostic Laboratories, L.L.C.
Classification: Pathogenic for Hereditary cancer-predisposing syndrome. Last evaluated: 2025-07-07. Review status: criteria provided, single submitter. Criteria: ACMG Guidelines, 2015. Collection method: clinical testing. Allele origin: germline.
Comment: The splice donor variant NM_000051.4(ATM):c.5496+2_5496+5delTAAG has been reported to ClinVar as Pathogenic/Likely pathogenic with a status of (2 stars) criteria provided, multiple submitters, no conflicts (Variation ID 565770 as of 2025-06-05). This variant mutates a splice-donor sequence, potentially resulting in the retention of large segments of intronic DNA by the mRNA and nonfunctional proteins. This variant results in the loss of an donor splice site for the clinically relevant transcript. The c.5496+2_5496+5delTAAG variant is a loss of function variant in the gene ATM, which is intolerant of Loss of Function variants, as indicated by the presence of existing pathogenic loss of function variant NP_000042.3:p.M1L and 2792 others. For these reasons, this variant has been classified as Pathogenic.

Ambry Genetics
Classification: Likely pathogenic for Hereditary cancer-predisposing syndrome. Last evaluated: 2025-03-12. Review status: criteria provided, single submitter. Criteria: Ambry Variant Classification Scheme 2023. Collection method: clinical testing. Allele origin: germline.
Comment: The c.5496+2_5496+5delTAAG variant results from a deletion of 4 nucleotides between positions c.5496+2 and 5496+5 and involves the canonical splice donor site after coding exon 35 of the ATM gene. This alteration has been reported in one patient with ataxia telangiectasia (Micol R et al. J Allergy Clin Immunol, 2011 Aug;128:382-9.e1). This variant is considered to be rare based on population cohorts in the Genome Aggregation Database (gnomAD). The canonical splice donor site is highly conserved in available vertebrate species. In silico splice site analysis predicts that this alteration will weaken the native splice donor site; however, direct evidence is insufficient at this time (Ambry internal data). Alterations that disrupt the canonical splice site are expected to cause aberrant splicing, resulting in an abnormal protein or a transcript that is subject to nonsense-mediated mRNA decay. As such, this alteration is classified as likely pathogenic.

Myriad Genetics, Inc.
Classification: Likely pathogenic for Familial cancer of breast. Last evaluated: 2024-01-25. Review status: criteria provided, single submitter. Criteria: Myriad Autosomal Dominant, Autosomal Recessive and X-Linked Classification Criteria (2023). Collection method: clinical testing. Allele origin: unknown.
Comment: This variant is considered likely pathogenic. This variant occurs within a consensus splice junction and is predicted to result in abnormal mRNA splicing of either an out-of-frame exon or an in-frame exon necessary for protein stability and/or normal function.

Baylor Genetics
Classification: Likely pathogenic for Familial cancer of breast. Last evaluated: 2022-09-13. Review status: criteria provided, single submitter. Criteria: ACMG Guidelines, 2015. Collection method: clinical testing. Allele origin: unknown.

Fulgent Genetics
Classification: Likely pathogenic for Familial cancer of breast; Ataxia-telangiectasia syndrome. Last evaluated: 2021-12-14. Review status: criteria provided, single submitter. Criteria: ACMG Guidelines, 2015. Collection method: clinical testing. Allele origin: unknown.

Literature cited by the submitters: PubMed 21665257 (cited by 3 submitters); PubMed 35586824 (cited by Labcorp Genetics (formerly Invitae), Labcorp and Color Diagnostics, LLC DBA Color Health).

NM_000051.4(ATM):c.5496+2_5496+5del

Gene: ATM (ATM serine/threonine kinase; plus strand). Cytogenetic location: 11q22.3.
Variant type: Deletion.
Coding change: c.5496+2_5496+5del on transcript NM_000051.4 (MANE Select); the canonical splice donor site of the intron after coding-DNA position 5496 through 5 bases into the intron after coding-DNA position 5496, 4 bases deleted (TAAG; older notation c.5496+2_5496+5delTAAG).
Molecular consequence: splice donor variant.
Genome position (GRCh38, 1-based): chr11:108,303,031-108,303,034, TAAG deleted; deleting any 4 consecutive bases within chr11:108,303,028-108,303,034 gives the same sequence; the c. name uses the placement nearest the transcript's 3' end. VCF-style (leftmost placement, unchanged base first): chr11-108303027-GAAGT-G. GRCh37 (hg19) VCF-style: chr11-108173754-GAAGT-G.
Other names: c.5496+2_5496+5delTAAG (NM_000051.4, NM_000051.3); c.5496+2_5496+5del (NM_001351834.2).
Identifiers: ClinVar variation 565770 (VCV000565770.19), dbSNP rs1565479572, ClinGen allele CA891842644.